The following is an entry in ClinVar:

ClinVar aggregate classification (germline): Pathogenic (1 of 4 stars; one submission).

Conditions:
Metachromatic leukodystrophy (MLD). Also called: ARSA DEFICIENCY; CEREBROSIDE SULFATASE DEFICIENCY; METACHROMATIC LEUKOENCEPHALOPATHY; SULFATIDE LIPIDOSIS; Cerebral sclerosis diffuse metachromatic form; Arylsulfatase A Deficiency. Identifiers: Orphanet 512, MedGen C0023522, MONDO:0018868, OMIM 250100.

Submission:

Labcorp Genetics (formerly Invitae), Labcorp
Classification: Pathogenic for Metachromatic leukodystrophy. Last evaluated: 2022-08-20. Review status: criteria provided, single submitter. Criteria: Invitae Variant Classification Sherloc (09022015). Collection method: clinical testing. Allele origin: germline.
Comment: This sequence change creates a premature translational stop signal (p.Leu104Argfs*4) in the ARSA gene. It is expected to result in an absent or disrupted protein product. Loss-of-function variants in ARSA are known to be pathogenic (PMID: 8962139, 10477432). This variant is not present in population databases (gnomAD no frequency). This variant has not been reported in the literature in individuals affected with ARSA-related conditions. For these reasons, this variant has been classified as Pathogenic.

Literature cited by the submitters: PubMed 8962139; PubMed 10477432.

NM_000487.6(ARSA):c.311del (p.Leu104fs)

Gene: ARSA (arylsulfatase A; minus strand). Cytogenetic location: 22q13.33.
Variant type: Deletion.
Coding change: c.311del on transcript NM_000487.6 (MANE Select); coding-DNA position 311, one base deleted (T; older notation c.311delT).
Protein change: p.Leu104fs; shifts the reading frame from leucine 104.
Molecular consequence: frameshift variant.
Genome position (GRCh38, 1-based): chr22:50,627,320, A deleted on the plus strand (T on the coding strand, the reverse complement: ARSA is on the minus strand). VCF-style (leftmost placement, unchanged base first): chr22-50627319-CA-C. GRCh37 (hg19) VCF-style: chr22-51065747-CA-C.
Other names: c.311del, p.Leu104fs (NM_001085425.3, NM_001085426.3, NM_001085427.3); c.53del, p.Leu18fs (NM_001085428.3, NM_001362782.2); short protein forms L18fs, L104fs.
Identifiers: ClinVar variation 1956862 (VCV001956862.5), dbSNP rs2518334400, ClinGen allele CA2580099998.